The following is an entry in ClinVar:

NM_001382779.1(FBXL19):c.36G>A (p.Ala12=)

Gene: FBXL19 (F-box and leucine rich repeat protein 19; plus strand). Cytogenetic location: 16p11.2.
Variant type: single nucleotide variant.
Coding change: c.36G>A on transcript NM_001382779.1 (MANE Select); coding-DNA position 36, G replaced by A.
Protein change: p.Ala12=; no amino-acid change (alanine 12 retained).
Molecular consequence: synonymous variant. On other transcripts: 5 prime UTR variant (1).
Genome position (GRCh38, 1-based): chr16:30,925,790, G>A. VCF-style: chr16-30925790-G-A. GRCh37 (hg19) VCF-style: chr16-30937111-G-A.
Other names: c.-843G>A (NM_001282351.1); c.102G>A, p.Ala34= (NM_001382780.1); c.36G>A, p.Ala12= (NM_001382781.1); c.96G>A, p.Ala32= (NM_001099784.3).
Identifiers: ClinVar variation 2646418 (VCV002646418.24), dbSNP rs1208818723, ClinGen allele CA494703200.

ClinVar aggregate classification (germline): Likely benign (1 of 4 stars; one submission).

Allele frequency attached by ClinVar (database versions not stated): gnomAD 0.00001.
gnomAD v4.1: 6 of 1,490,654 alleles (0.0004%); highest among the groups gnomAD compares: Admixed American, 0.0026%; no homozygotes.

Submission:

CeGaT Center for Human Genetics Tuebingen
Classification: Likely benign. Last evaluated: 2023-01-01. Review status: criteria provided, single submitter. Criteria: CeGaT Center For Human Genetics Tuebingen Variant Classification Criteria Version 2. Collection method: clinical testing. Allele origin: germline. Affected: yes. Observed: 1 variant allele.
Comment: FBXL19: BP4, BP7